The following is an entry in ClinVar:

ClinVar aggregate classification (germline): Uncertain significance. Review status: criteria provided, multiple submitters, no conflicts (2 of 4 stars). 2 submissions from 2 submitters: Uncertain significance (2). Last evaluated 2023-01-06.

Conditions:
Megaloblastic anemia, thiamine-responsive, with diabetes mellitus and sensorineural deafness (TRMA). Also called: THIAMINE METABOLISM DYSFUNCTION SYNDROME 1 (MEGALOBLASTIC ANEMIA, DIABETES MELLITUS, AND DEAFNESS TYPE); Thiamine-Responsive Megaloblastic Anemia Syndrome; ROGERS SYNDROME; THIAMINE-RESPONSIVE ANEMIA SYNDROME; THIAMINE-RESPONSIVE MYELODYSPLASIA. Identifiers: Orphanet 49827, MedGen C0342287, MONDO:0009575, OMIM 249270.

Submissions (2):

ARUP Laboratories, Molecular Genetics and Genomics, ARUP Laboratories
Classification: Uncertain significance for Megaloblastic anemia, thiamine-responsive, with diabetes mellitus and sensorineural deafness. Last evaluated: 2023-01-06. Review status: criteria provided, single submitter. Criteria: ARUP Molecular Germline Variant Investigation Process 2024. Collection method: clinical testing. Allele origin: germline.
Comment: The SLC19A2 c.45_47delGGC; p.Ala16del variant (rs776444312), to our knowledge, is not reported in the medical literature or gene specific databases. This variant is observed in the general population with an overall allele frequency of 0.01% (13/129308 alleles) in the Genome Aggregation Database. This variant deletes a single alanine residue leaving the rest of the protein in-frame. Due to limited information, the clinical significance of this variant is uncertain at this time.

Labcorp Genetics (formerly Invitae), Labcorp
Classification: Uncertain significance. Last evaluated: 2022-06-13. Review status: criteria provided, single submitter. Criteria: Invitae Variant Classification Sherloc (09022015). Collection method: clinical testing. Allele origin: germline.
Comment: This variant, c.45_47del, results in the deletion of 1 amino acid(s) of the SLC19A2 protein (p.Ala16del), but otherwise preserves the integrity of the reading frame. The frequency data for this variant in the population databases is considered unreliable, as metrics indicate poor data quality at this position in the gnomAD database. This variant has not been reported in the literature in individuals affected with SLC19A2-related conditions. Experimental studies and prediction algorithms are not available or were not evaluated, and the functional significance of this variant is currently unknown. In summary, the available evidence is currently insufficient to determine the role of this variant in disease. Therefore, it has been classified as a Variant of Uncertain Significance.

NM_006996.3(SLC19A2):c.30GGC[5] (p.Ala16del)

Genes: SLC19A2 (solute carrier family 19 member 2; minus strand), LOC129931894 (ATAC-STARR-seq lymphoblastoid silent region 1546; plus strand). Cytogenetic location: 1q24.2.
Variant type: Microsatellite.
Coding change: c.30GGC[5] on transcript NM_006996.3 (MANE Select); five copies in a row of the 3-base unit GGC starting at c.30; the reference has six copies in a row; one copy, 3 bases deleted.
Protein change: p.Ala16del; deletes alanine 16.
Molecular consequence: inframe deletion.
Genome position (GRCh38, 1-based): chr1:169,485,720-169,485,722, GCC deleted on the plus strand (GGC on the coding strand, the reverse complement: SLC19A2 is on the minus strand); deleting any 3 consecutive bases within chr1:169,485,720-169,485,737 gives the same sequence; the position shown is the placement nearest the transcript's 3' end. VCF-style (leftmost placement, unchanged base first): chr1-169485719-GGCC-G. GRCh37 (hg19) VCF-style: chr1-169454957-GGCC-G.
Other names: c.30GGC[5], p.Ala16del (NM_001319667.1); short protein forms A16del.
Identifiers: ClinVar variation 1928429 (VCV001928429.3), dbSNP rs776444312, ClinGen allele CA1233160.
Genomic context (GRCh38, chr1:169,485,719, plus strand): 5'-CAGCGCGGTCGGCAAGAACCAGCATTCGCGACGGACCCGAGCGGTCCGCAGGAGCACAGT[GGCC>G]GCCGCCGCCGCCGCCCGCCGAGACACCGGGCCGGGCACATCCATCCGGGGCGCGAGGGGA-3'